The following is an entry in ClinVar:

ClinVar aggregate classification (germline): Conflicting classifications of pathogenicity. Review status: criteria provided, conflicting classifications (1 of 4 stars). 2 submissions from 2 submitters: Likely pathogenic (1); Uncertain significance (1). Last evaluated 2024-07-11.

Conditions:
Dilated cardiomyopathy 1G (CMD1G). Identifiers: Orphanet 154, MedGen C1858763, MONDO:0011400, OMIM 604145.
Autosomal recessive limb-girdle muscular dystrophy type 2J (LGMDR10). Also called: Limb-girdle muscular dystrophy, type 2J; MUSCULAR DYSTROPHY, LIMB-GIRDLE, AUTOSOMAL RECESSIVE 10. Identifiers: Orphanet 140922, MedGen C1837342, MONDO:0012127, OMIM 608807.
Cardiomyopathy (CMYO). Also called: Cardiomyopathies. Identifiers: Orphanet 167848, MedGen C0878544, MONDO:0004994, HP:0001638. Inheritance: Various modes of inheritance.

Submissions (2):

Labcorp Genetics (formerly Invitae), Labcorp
Classification: Likely pathogenic for Dilated cardiomyopathy 1G; Autosomal recessive limb-girdle muscular dystrophy type 2J. Last evaluated: 2024-07-11. Review status: criteria provided, single submitter. Criteria: Invitae Variant Classification Sherloc (09022015). Collection method: clinical testing. Allele origin: germline.
Comment: This sequence change creates a premature translational stop signal (p.Lys8933Argfs*15) in the TTN gene. While this is not anticipated to result in nonsense mediated decay, it is expected to create a truncated TTN protein. This variant is not present in population databases (gnomAD no frequency). This variant has not been reported in the literature in individuals affected with TTN-related conditions. ClinVar contains an entry for this variant (Variation ID: 1329126). This variant is located in the I band of TTN (PMID: 25589632). Truncating variants in this region have been reported in individuals affected with autosomal recessive centronuclear myopathy (PMID: 23975875, Invitae internal data). Truncating variants in this region have also been identified in individuals affected with autosomal dominant dilated cardiomyopathy and/or cardio-related conditions (PMID: 27869827, 32964742, Invitae internal data). In summary, the currently available evidence indicates that the variant is pathogenic, but additional data are needed to prove that conclusively. Therefore, this variant has been classified as Likely Pathogenic.

CHEO Genetics Diagnostic Laboratory, Children's Hospital of Eastern Ontario
Classification: Uncertain significance for Cardiomyopathy. Last evaluated: 2019-09-13. Review status: criteria provided, single submitter. Criteria: ACMG Guidelines, 2015. Collection method: clinical testing. Allele origin: germline.

Literature cited by the submitters: PubMed 25589632 (cited by Labcorp Genetics (formerly Invitae), Labcorp); PubMed 23975875 (cited by Labcorp Genetics (formerly Invitae), Labcorp); PubMed 27869827 (cited by Labcorp Genetics (formerly Invitae), Labcorp); PubMed 32964742 (cited by Labcorp Genetics (formerly Invitae), Labcorp).

NM_001267550.2(TTN):c.26798_26799del (p.Lys8933fs)

Gene: TTN (titin; minus strand). Cytogenetic location: 2q31.2.
Variant type: Deletion.
Coding change: c.26798_26799del on transcript NM_001267550.2 (MANE Select); coding-DNA positions 26798 to 26799, 2 bases deleted (AA; older notation c.26798_26799delAA).
Protein change: p.Lys8933fs; shifts the reading frame from lysine 8933.
Molecular consequence: frameshift variant. On other transcripts: intron variant (3).
Genome position (GRCh38, 1-based): chr2:178,713,335-178,713,336, TT deleted on the plus strand (AA on the coding strand, the reverse complement: TTN is on the minus strand); deleting any 2 consecutive bases within chr2:178,713,335-178,713,337 gives the same sequence; the c. name uses the placement nearest the transcript's 3' end. VCF-style (leftmost placement, unchanged base first): chr2-178713334-CTT-C. GRCh37 (hg19) VCF-style: chr2-179578061-CTT-C.
Other names: c.25847_25848del, p.Lys8616fs (NM_001256850.1); c.23066_23067del, p.Lys7689fs (NM_133378.4); c.13282+24746_13282+24747del (NM_003319.4); c.13858+24746_13858+24747del (NM_133437.4); c.13657+24746_13657+24747del (NM_133432.3); short protein forms K7689fs, K8616fs, K8933fs.
Identifiers: ClinVar variation 1329126 (VCV001329126.4), dbSNP rs2076941998, ClinGen allele CA1039719246.